The following is an entry in ClinVar:

ClinVar aggregate classification (germline): Uncertain significance. Review status: criteria provided, multiple submitters, no conflicts (2 of 4 stars). 5 submissions from 5 submitters: Uncertain significance (4). 1 of the submissions does not count toward it. Last evaluated 2025-06-10.

Conditions:
Inborn genetic diseases. Identifiers: MedGen C0950123, MeSH D030342.
Combined malonic and methylmalonic acidemia. Identifiers: Orphanet 289504, MedGen C3280314, MONDO:0013661, OMIM 614265.
Methylmalonic acidemia (MMA). Also called: Isolated Methylmalonic Acidemia. Identifiers: MedGen C0268583, MeSH C537358, MONDO:0002012, HP:0002912.

Allele frequency attached by ClinVar (database versions not stated): 1000 Genomes Project 30x 0.00016; gnomAD 0.00019 and 0.00020; 1000 Genomes Project 0.00020; ExAC 0.00023; ESP Exome Variant Server 0.00023; TOPMed 0.00024.

Submissions (5):

Ambry Genetics
Classification: Uncertain significance for Inborn genetic diseases. Last evaluated: 2025-06-10. Review status: criteria provided, single submitter. Criteria: Ambry Variant Classification Scheme 2023. Collection method: clinical testing. Allele origin: germline.

Labcorp Genetics (formerly Invitae), Labcorp
Classification: Uncertain significance for Combined malonic and methylmalonic acidemia. Last evaluated: 2022-05-28. Review status: criteria provided, single submitter. Criteria: Invitae Variant Classification Sherloc (09022015). Collection method: clinical testing. Allele origin: germline.
Comment: This sequence change replaces valine, which is neutral and non-polar, with methionine, which is neutral and non-polar, at codon 241 of the ACSF3 protein (p.Val241Met). This variant is present in population databases (rs145141190, gnomAD 0.04%). This variant has not been reported in the literature in individuals affected with ACSF3-related conditions. ClinVar contains an entry for this variant (Variation ID: 991077). Algorithms developed to predict the effect of missense changes on protein structure and function are either unavailable or do not agree on the potential impact of this missense change (SIFT: "Deleterious"; PolyPhen-2: "Probably Damaging"; Align-GVGD: "Class C0"). In summary, the available evidence is currently insufficient to determine the role of this variant in disease. Therefore, it has been classified as a Variant of Uncertain Significance.

Fulgent Genetics
Classification: Uncertain significance for Combined malonic and methylmalonic acidemia. Last evaluated: 2021-10-06. Review status: criteria provided, single submitter. Criteria: ACMG Guidelines, 2015. Collection method: clinical testing. Allele origin: unknown.

GeneDx
Classification: Uncertain significance. Last evaluated: 2019-12-18. Review status: criteria provided, single submitter. Criteria: GeneDx Variant Classification Process June 2021. Collection method: clinical testing. Allele origin: germline. Affected: yes.
Comment: In silico analysis, which includes protein predictors and evolutionary conservation, supports that this variant does not alter protein structure/function; Has not been previously published as pathogenic or benign to our knowledge

Natera, Inc.
Classification: Uncertain significance for Methylmalonic acidemia. Last evaluated: 2020-05-01. Review status: no assertion criteria provided. Collection method: clinical testing. Allele origin: germline. Not counted in ClinVar's aggregate classification.

NM_001243279.3(ACSF3):c.721G>A (p.Val241Met)

Gene: ACSF3 (acyl-CoA synthetase family member 3; plus strand). Cytogenetic location: 16q24.3.
Variant type: single nucleotide variant.
Coding change: c.721G>A on transcript NM_001243279.3 (MANE Select); coding-DNA position 721, G replaced by A.
Protein change: p.Val241Met; replaces valine 241 with methionine.
Molecular consequence: missense variant. On other transcripts: 5 prime UTR variant (1), non-coding transcript variant (3).
Genome position (GRCh38, 1-based): chr16:89,102,658, G>A. VCF-style: chr16-89102658-G-A. GRCh37 (hg19) VCF-style: chr16-89169066-G-A.
Other names: c.721G>A, p.Val241Met (NM_001127214.4, NM_174917.5); c.-75G>A (NM_001284316.2); c.721G>A (NM_174917.3); short protein forms V241M.
Identifiers: ClinVar variation 991077 (VCV000991077.8), dbSNP rs145141190, ClinGen allele CA8237772.